The following is an entry in ClinVar:

ClinVar aggregate classification (germline): Uncertain significance (1 of 4 stars; one submission).

Allele frequency attached by ClinVar (database versions not stated): TOPMed below 0.00001; ExAC 0.00005; gnomAD 0.00006; 1000 Genomes Project 30x 0.00031; 1000 Genomes Project 0.00040.
gnomAD v4.1: 46 of 1,613,918 alleles (0.0029%); highest among the groups gnomAD compares: South Asian, 0.046%; 1 homozygote.

Submission:

Labcorp Genetics (formerly Invitae), Labcorp
Classification: Uncertain significance. Last evaluated: 2022-06-08. Review status: criteria provided, single submitter. Criteria: Invitae Variant Classification Sherloc (09022015). Collection method: clinical testing. Allele origin: germline.
Comment: This sequence change replaces arginine, which is basic and polar, with glycine, which is neutral and non-polar, at codon 351 of the COX15 protein (p.Arg351Gly). This variant is present in population databases (rs544549493, gnomAD 0.02%). This variant has not been reported in the literature in individuals affected with COX15-related conditions. Algorithms developed to predict the effect of missense changes on protein structure and function are either unavailable or do not agree on the potential impact of this missense change (SIFT: "Not Available"; PolyPhen-2: "Benign"; Align-GVGD: "Not Available"). In summary, the available evidence is currently insufficient to determine the role of this variant in disease. Therefore, it has been classified as a Variant of Uncertain Significance.

NM_078470.6(COX15):c.1051A>G (p.Arg351Gly)

Gene: COX15 (cytochrome c oxidase assembly homolog COX15; minus strand). Cytogenetic location: 10q24.2.
Variant type: single nucleotide variant.
Coding change: c.1051A>G on transcript NM_078470.6 (MANE Select); coding-DNA position 1051, A replaced by G.
Protein change: p.Arg351Gly; replaces arginine 351 with glycine.
Molecular consequence: missense variant. On other transcripts: stop lost (2), non-coding transcript variant (1).
Genome position (GRCh38, 1-based): chr10:99,716,398, T>C on the plus strand (A>G on the coding strand, the complement: COX15 is on the minus strand). VCF-style: chr10-99716398-T-C. GRCh37 (hg19) VCF-style: chr10-101476155-T-C.
Other names: c.1051A>G, p.Arg351Gly (NM_001320974.2, NM_001372024.1, NM_001372027.1 and 1 more transcripts); c.896A>G, p.Ter299Trp (NM_001320975.2, NM_001372028.1); c.514A>G, p.Arg172Gly (NM_001320976.2); c.1069A>G, p.Arg357Gly (NM_001372025.1); c.1024A>G, p.Arg342Gly (NM_001372026.1); short protein forms R342G, R351G, R357G, R172G.
Identifiers: ClinVar variation 1915162 (VCV001915162.2), dbSNP rs544549493, ClinGen allele CA5642101.